The following is an entry in ClinVar:

ClinVar aggregate classification (germline): Uncertain significance (1 of 4 stars; one submission).

Conditions:
T-cell immunodeficiency, congenital alopecia, and nail dystrophy. Also called: Congenital alopecia and nail dystrophy associated with severe functional T-cell immunodeficiency; Pignata Guarino syndrome. Identifiers: Orphanet 169095, MedGen C1866426, MONDO:0011132, OMIM 601705.

Allele frequency attached by ClinVar (database versions not stated): gnomAD exomes below 0.00001 and 0.00001; ExAC 0.00001; TOPMed 0.00001.

Submission:

Labcorp Genetics (formerly Invitae), Labcorp
Classification: Uncertain significance for T-cell immunodeficiency, congenital alopecia, and nail dystrophy. Last evaluated: 2025-02-09. Review status: criteria provided, single submitter. Criteria: Invitae Variant Classification Sherloc (09022015). Collection method: clinical testing. Allele origin: germline.
Comment: This sequence change replaces glycine, which is neutral and non-polar, with serine, which is neutral and polar, at codon 461 of the FOXN1 protein (p.Gly461Ser). This variant is present in population databases (rs769545767, gnomAD 0.0009%). This variant has not been reported in the literature in individuals affected with FOXN1-related conditions. ClinVar contains an entry for this variant (Variation ID: 580345). Invitae Evidence Modeling of protein sequence and biophysical properties (such as structural, functional, and spatial information, amino acid conservation, physicochemical variation, residue mobility, and thermodynamic stability) indicates that this missense variant is not expected to disrupt FOXN1 protein function with a negative predictive value of 80%. In summary, the available evidence is currently insufficient to determine the role of this variant in disease. Therefore, it has been classified as a Variant of Uncertain Significance.

NM_001369369.1(FOXN1):c.1381G>A (p.Gly461Ser)

Gene: FOXN1 (forkhead box N1; plus strand). Cytogenetic location: 17q11.2.
Variant type: single nucleotide variant.
Coding change: c.1381G>A on transcript NM_001369369.1 (MANE Select); coding-DNA position 1381, G replaced by A.
Protein change: p.Gly461Ser; replaces glycine 461 with serine.
Molecular consequence: missense variant.
Genome position (GRCh38, 1-based): chr17:28,534,952, G>A. VCF-style: chr17-28534952-G-A. GRCh37 (hg19) VCF-style: chr17-26861970-G-A.
Other names: c.1381G>A, p.Gly461Ser (NM_003593.3); short protein forms G461S.
Identifiers: ClinVar variation 580345 (VCV000580345.6), dbSNP rs769545767, ClinGen allele CA8459510.